The following is an entry in ClinVar:

ClinVar aggregate classification (germline): Likely benign. Review status: criteria provided, multiple submitters, no conflicts (2 of 4 stars). 3 submissions from 3 submitters: Likely benign (3). Last evaluated 2026-06-01.

Conditions:
Charcot-Marie-Tooth disease axonal type 2C (HMSN2C). Also called: CHARCOT-MARIE-TOOTH DISEASE, AXONAL, AUTOSOMAL DOMINANT, TYPE 2C; Charcot-Marie-Tooth Neuropathy Type 2C; Charcot-Marie-Tooth Disease Type 2, TRPV4-Related (CMT2C). Identifiers: Orphanet 99937, MedGen C1853710, MONDO:0011633, OMIM 606071.

Allele frequency attached by ClinVar (database versions not stated): TOPMed 0.00002.
gnomAD v4.1: 13 of 1,612,966 alleles (0.00081%); highest among the groups gnomAD compares: South Asian, 0.0033%; no homozygotes.

Submissions (3):

CeGaT Center for Human Genetics Tuebingen
Classification: Likely benign. Last evaluated: 2026-06-01. Review status: criteria provided, single submitter. Criteria: CeGaT Center For Human Genetics Tuebingen Variant Classification Criteria Version 2. Collection method: clinical testing. Allele origin: germline. Affected: yes. Observed: 1 variant allele.
Comment: TRPV4: BP4, BP7

Labcorp Genetics (formerly Invitae), Labcorp
Classification: Likely benign for Charcot-Marie-Tooth disease axonal type 2C. Last evaluated: 2024-09-23. Review status: criteria provided, single submitter. Criteria: Invitae Variant Classification Sherloc (09022015). Collection method: clinical testing. Allele origin: germline.

Athena Diagnostics
Classification: Likely benign. Last evaluated: 2023-12-20. Review status: criteria provided, single submitter. Criteria: Athena Diagnostics Criteria. Collection method: clinical testing. Allele origin: unknown.

NM_021625.5(TRPV4):c.1878C>T (p.Ile626=)

Gene: TRPV4 (transient receptor potential cation channel subfamily V member 4; minus strand). Cytogenetic location: 12q24.11.
Variant type: single nucleotide variant.
Coding change: c.1878C>T on transcript NM_021625.5 (MANE Select); coding-DNA position 1878, C replaced by T.
Protein change: p.Ile626=; no amino-acid change (isoleucine 626 retained).
Molecular consequence: synonymous variant.
Genome position (GRCh38, 1-based): chr12:109,792,376, G>A on the plus strand (C>T on the coding strand, the complement: TRPV4 is on the minus strand). VCF-style: chr12-109792376-G-A. GRCh37 (hg19) VCF-style: chr12-110230181-G-A.
Other names: c.1737C>T, p.Ile579= (NM_001177428.2); c.1776C>T, p.Ile592= (NM_001177431.2); c.1557C>T, p.Ile519= (NM_001177433.2); c.1698C>T, p.Ile566= (NM_147204.3).
Identifiers: ClinVar variation 1158439 (VCV001158439.12), dbSNP rs758026363, ClinGen allele CA6780074.
Genomic context (GRCh38, chr12:109,792,376, plus strand): 5'-GTCCTTGCACCACCCCTGCCAGGACCACCTGAGCACCCAGAGCTCACCTGAAGCGTAGCC[G>A]ATCATGAAGAGCAAGTAGACGAGCAGGAATCGGAAAAGGTCCTTGAAGAGAATCTAAAGA-3'
Protein context (NP_067638.3, residues 616-636): RFLLVYLLFM[Ile626=]GYASALVSLL